The following is an entry in ClinVar:

ClinVar aggregate classification (germline): Likely benign (1 of 4 stars; one submission).

Submission:

CeGaT Center for Human Genetics Tuebingen
Classification: Likely benign. Last evaluated: 2025-11-01. Review status: criteria provided, single submitter. Criteria: CeGaT Center For Human Genetics Tuebingen Variant Classification Criteria Version 2. Collection method: clinical testing. Allele origin: germline. Affected: yes. Observed: 1 variant allele.
Comment: TAF1: PM2:Supporting, BP4, BP7

NM_004606.5(TAF1):c.3801A>G (p.Ala1267=)

Gene: TAF1 (TATA-box binding protein associated factor 1; plus strand). Cytogenetic location: Xq13.1.
Variant type: single nucleotide variant.
Coding change: c.3801A>G on transcript NM_004606.5 (MANE Select); coding-DNA position 3801, A replaced by G.
Protein change: p.Ala1267=; no amino-acid change (alanine 1267 retained).
Molecular consequence: synonymous variant. On other transcripts: non-coding transcript variant (9).
Genome position (GRCh38, 1-based): chrX:71,401,542, A>G. VCF-style: chrX-71401542-A-G. GRCh37 (hg19) VCF-style: chrX-70621392-A-G.
Other names: c.3801A>G, p.Ala1267= (NM_001286074.2, NM_001440852.1, NM_001440853.1); c.3738A>G, p.Ala1246= (NM_001440854.1, NM_138923.4).
Identifiers: ClinVar variation 4535135 (VCV004535135.6).
Genomic context (GRCh38, chrX:71,401,542, plus strand): 5'-TTCAGCCTACTTACCTCTGACGTGTTTGATACTTTTCCTTTTGCAGCTGAAATGTGGGGC[A>G]TGTGGTGCCATTGGACACATGAGGACTAACAAATTCTGCCCCCTCTATTATCAAACAAAT-3'
Protein context (NP_004597.3, residues 1257-1277): ERPDLKLKCG[Ala1267=]CGAIGHMRTN